The following is an entry in ClinVar:

NM_001355436.2(SPTB):c.4026del (p.Lys1343fs)

Gene: SPTB (spectrin beta, erythrocytic; minus strand). Cytogenetic location: 14q23.3.
Variant type: Deletion.
Coding change: c.4026del on transcript NM_001355436.2 (MANE Select); coding-DNA position 4026, one base deleted (G; older notation c.4026delG).
Protein change: p.Lys1343fs; shifts the reading frame from lysine 1343.
Molecular consequence: frameshift variant.
Genome position (GRCh38, 1-based): chr14:64,782,530, C deleted on the plus strand (G on the coding strand, the reverse complement: SPTB is on the minus strand). VCF-style (leftmost placement, unchanged base first): chr14-64782529-TC-T. GRCh37 (hg19) VCF-style: chr14-65249247-TC-T.
Other names: c.4026del, p.Lys1343fs (NM_001024858.4, NM_001355437.2); short protein forms K1343fs.
Identifiers: ClinVar variation 4685829 (VCV004685829.1).

ClinVar aggregate classification (germline): Likely pathogenic (1 of 4 stars; one submission).

Submission:

ARUP Laboratories, Molecular Genetics and Genomics, ARUP Laboratories
Classification: Likely pathogenic. Last evaluated: 2025-05-20. Review status: criteria provided, single submitter. Criteria: ARUP Molecular Germline Variant Investigation Process 2024. Collection method: clinical testing. Allele origin: germline.
Comment: The SPTB c.4026del; p.Lys1343SerfsTer69 variant, to our knowledge, is not reported in the medical literature or gene specific databases. This variant is also absent from the Genome Aggregation Database (v2.1.1), indicating it is not a common polymorphism. This variant causes a frameshift by deleting a single nucleotide, so it is predicted to result in a truncated protein or mRNA subject to nonsense-mediated decay. Based on available information, this variant is considered to be likely pathogenic.